The following is an entry in ClinVar:

ClinVar aggregate classification (germline): Uncertain significance (1 of 4 stars; one submission).

Conditions:
Familial adenomatous polyposis 1 (FAP1). Also called: FAMILIAL ADENOMATOUS POLYPOSIS 1, ATTENUATED; POLYPOSIS, ADENOMATOUS INTESTINAL. Identifiers: MedGen C2713442, MONDO:0021056, OMIM 175100. Disease mechanism: loss of function.

Submission:

Labcorp Genetics (formerly Invitae), Labcorp
Classification: Uncertain significance for Familial adenomatous polyposis 1. Last evaluated: 2017-11-22. Review status: criteria provided, single submitter. Criteria: Invitae Variant Classification Sherloc (09022015). Collection method: clinical testing. Allele origin: germline.
Comment: In summary, the available evidence is currently insufficient to determine the role of this variant in disease. Therefore, it has been classified as a Variant of Uncertain Significance. Experimental studies and prediction algorithms are not available for this variant, and the functional significance of the disrupted amino acids is currently unknown. This variant has not been reported in the literature in individuals with APC-related disease. This variant is not present in population databases (ExAC no frequency). This variant, c.6583_6587delinsAT, is a complex sequence change that results in the deletion of two amino acids and the insertion of one amino acid of the APC protein (p.Tyr2195_Lys2196delinsIle).

NM_000038.6(APC):c.6583_6587delinsAT (p.Tyr2195_Lys2196delinsIle)

Gene: APC (APC regulator of Wnt signaling pathway; plus strand). Cytogenetic location: 5q22.2.
Variant type: Indel.
Coding change: c.6583_6587delinsAT on transcript NM_000038.6 (MANE Select); coding-DNA positions 6583 to 6587, TATAA replaced by AT.
Protein change: p.Tyr2195_Lys2196delinsIle.
Molecular consequence: inframe indel.
Genome position (GRCh38, 1-based): chr5:112,842,177-112,842,181, TATAA replaced by AT. VCF-style: chr5-112842177-TATAA-AT. GRCh37 (hg19) VCF-style: chr5-112177874-TATAA-AT.
Other names: c.6583_6587delinsAT, p.Tyr2195_Lys2196delinsIle (NM_001127510.3, NM_001354895.2); c.6529_6533delinsAT, p.Tyr2177_Lys2178delinsIle (NM_001127511.3); c.6637_6641delinsAT, p.Tyr2213_Lys2214delinsIle (NM_001354896.2); c.6613_6617delinsAT, p.Tyr2205_Lys2206delinsIle (NM_001354897.2); c.6508_6512delinsAT, p.Tyr2170_Lys2171delinsIle (NM_001354898.2); c.6499_6503delinsAT, p.Tyr2167_Lys2168delinsIle (NM_001354899.2); c.6460_6464delinsAT, p.Tyr2154_Lys2155delinsIle (NM_001354900.2); c.6406_6410delinsAT, p.Tyr2136_Lys2137delinsIle (NM_001354901.2); and 5 more.
Identifiers: ClinVar variation 537496 (VCV000537496.5), dbSNP rs1554087551, ClinGen allele CA658796583.
Genomic context (GRCh38, chr5:112,842,177, plus strand): 5'-ACATTGGAAACTAAAAAGATAGAATCTGAAAGTAAAGGAATCAAAGGAGGAAAAAAAGTT[TATAA>AT]AAGTTTGATTACTGGAAAAGTTCGATCTAATTCAGAAATTTCAGGCCAAATGAAACAGCC-3'